The following is an entry in ClinVar:

ClinVar aggregate classification (germline): Uncertain significance (1 of 4 stars; one submission).

Conditions:
Hereditary cancer-predisposing syndrome. Also called: Neoplastic Syndromes, Hereditary; Tumor predisposition; Hereditary Cancer Syndrome; Hereditary neoplastic syndrome. Identifiers: Orphanet 140162, MedGen C0027672, MeSH D009386, MONDO:0015356.

Submission:

Ambry Genetics
Classification: Uncertain significance for Hereditary cancer-predisposing syndrome. Last evaluated: 2019-12-09. Review status: criteria provided, single submitter. Criteria: Ambry Variant Classification Scheme 2023. Collection method: clinical testing. Allele origin: germline.
Comment: The c.651_653dupAGA variant (also known as p.R217_D218insE) is located in coding exon 4 of the CHEK2 gene. This variant results from an in-frame duplication of 3 nucleotides at positions 651 to 653. This results in the insertion of a glutamic acid between codons 217 and 218. This alteration is predicted to be deleterious by in silico analysis (Choi Y et al. PLoS ONE. 2012; 7(10):e46688). Since supporting evidence is limited at this time, the clinical significance of this alteration remains unclear.

NM_007194.4(CHEK2):c.651_653dup (p.Arg217_Asp218insGlu)

Gene: CHEK2 (checkpoint kinase 2; minus strand). Cytogenetic location: 22q12.1.
Variant type: Duplication.
Coding change: c.651_653dup on transcript NM_007194.4 (MANE Select); coding-DNA positions 651 to 653, 3 bases duplicated (AGA; older notation c.651_653dupAGA).
Protein change: p.Arg217_Asp218insGlu.
Molecular consequence: inframe insertion. On other transcripts: 5 prime UTR variant (2), intron variant (1).
Genome position (GRCh38, 1-based): chr22:28,719,425-28,719,427, TCT duplicated on the plus strand (AGA on the coding strand, the reverse complement: CHEK2 is on the minus strand). VCF-style (leftmost placement, unchanged base first): chr22-28719424-A-ATCT. GRCh37 (hg19) VCF-style: chr22-29115412-A-ATCT.
Other names: c.780_782dup, p.Arg260_Asp261insGlu (NM_001005735.3, NM_001438294.1); c.-13_-11dup (NM_001257387.3, NM_001437942.1); c.744_746dup, p.Arg248_Asp249insGlu (NM_001438293.1, NM_001438295.1); c.651_653dup, p.Arg217_Asp218insGlu (NM_145862.3); c.482+5459_482+5461dup (NM_001349956.3).
Identifiers: ClinVar variation 1753964 (VCV001753964.2), dbSNP rs2518009127, ClinGen allele CA2580099374.
Genomic context (GRCh38, chr22:28,719,424, plus strand): 5'-TTAAGTGCATTTATATAAGAAAATAATTTACCTTCCAAGAGTTTTTGACATGATGTATTC[A>ATCT]TCTCTTAATGCCTTAGGATAAACTGACTGATCATCTACAGTCAGATCAAAAAAGACAAAA-3'